The following is an entry in ClinVar:

ClinVar aggregate classification (germline): Likely benign (1 of 4 stars; one submission).

Conditions:
Leigh syndrome (NULS). Also called: Leigh's necrotizing encephalopathy; Leigh's disease; Leigh Syndrome (mtDNA deletion); Leigh Disease; Subacute necrotizing encephalopathy; Necrotizing encephalopathy infantile subacute of Leigh. Identifiers: Orphanet 506, MedGen C2931891, MONDO:0009723, OMIM 256000.

Submission:

Wong Mito Lab, Molecular and Human Genetics, Baylor College of Medicine
Classification: Likely benign for Leigh syndrome. Last evaluated: 2019-10-17. Review status: criteria provided, single submitter. Criteria: Modified ACMG Guidelines (Unpublished). Collection method: clinical testing. Allele origin: germline.
Comment: The NC_012920.1:m.12661A>T (YP_003024036.1:p.Asn109Tyr) variant in MTND5 gene is interpretated to be a Likely Benign variant based on the modified ACMG guidelines (unpublished). This variant meets the following evidence codes: BS1, BP6

NC_012920.1(MT-ND5):m.12661A>T (p.Asn109Tyr)

Gene: MT-ND5 (mitochondrially encoded NADH dehydrogenase 5; plus strand).
Variant type: single nucleotide variant.
Genome position: chrM-12661-A-T.
Other names: short protein forms N109Y.
Identifiers: ClinVar variation 693473 (VCV000693473.1), dbSNP rs1603223854, ClinGen allele CA414814252.